The following is an entry in ClinVar:

NM_152703.5(SAMD9L):c.4733C>T (p.Ala1578Val)

Gene: SAMD9L (sterile alpha motif domain containing 9 like; minus strand). Cytogenetic location: 7q21.2.
Variant type: single nucleotide variant.
Coding change: c.4733C>T on transcript NM_152703.5 (MANE Select); coding-DNA position 4733, C replaced by T.
Protein change: p.Ala1578Val; replaces alanine 1578 with valine.
Molecular consequence: missense variant.
Genome position (GRCh38, 1-based): chr7:93,131,239, G>A on the plus strand (C>T on the coding strand, the complement: SAMD9L is on the minus strand). VCF-style: chr7-93131239-G-A. GRCh37 (hg19) VCF-style: chr7-92760552-G-A.
Other names: c.4733C>T, p.Ala1578Val (NM_001303498.3, NM_001303500.3, NM_001350082.2 and 5 more transcripts); short protein forms A1578V.
Identifiers: ClinVar variation 4159354 (VCV004159354.1).

ClinVar aggregate classification (germline): Uncertain significance (1 of 4 stars; one submission).

Conditions:
Inborn genetic diseases. Identifiers: MedGen C0950123, MeSH D030342.

gnomAD v4.1: 4 of 1,567,856 alleles (0.00026%); highest among the groups gnomAD compares: Non-Finnish European, 0.00034%; no homozygotes.

Submission:

Ambry Genetics
Classification: Uncertain significance for Inborn genetic diseases. Last evaluated: 2025-07-25. Review status: criteria provided, single submitter. Criteria: Ambry Variant Classification Scheme 2023. Collection method: clinical testing. Allele origin: germline.
Comment: The p.A1578V variant (also known as c.4733C>T), located in coding exon 1 of the SAMD9L gene, results from a C to T substitution at nucleotide position 4733. The alanine at codon 1578 is replaced by valine, an amino acid with similar properties. This amino acid position is conserved. In addition, the in silico prediction for this alteration is inconclusive. Based on the available evidence, the clinical significance of this variant remains unclear.